The following is an entry in ClinVar:

NM_002936.6(RNASEH1):c.58C>T (p.Arg20Cys)

Genes: RNASEH1 (ribonuclease H1; minus strand), LOC129933002 (ATAC-STARR-seq lymphoblastoid active region 15231; plus strand). Cytogenetic location: 2p25.3.
Variant type: single nucleotide variant.
Coding change: c.58C>T on transcript NM_002936.6 (MANE Select); coding-DNA position 58, C replaced by T.
Protein change: p.Arg20Cys; replaces arginine 20 with cysteine.
Molecular consequence: missense variant. On other transcripts: 5 prime UTR variant (2), non-coding transcript variant (7).
Genome position (GRCh38, 1-based): chr2:3,558,203, G>A on the plus strand (C>T on the coding strand, the complement: RNASEH1 is on the minus strand). VCF-style: chr2-3558203-G-A. GRCh37 (hg19) VCF-style: chr2-3605793-G-A.
Other names: c.-21C>T (NM_001286834.3); c.-532C>T (NM_001286837.3); c.58C>T, p.Arg20Cys (NM_001378271.1, NM_001378272.1, NM_001378273.1); c.58C>T (NM_002936.3); short protein forms R20C.
Identifiers: ClinVar variation 1706193 (VCV001706193.7), dbSNP rs150583536, ClinGen allele CA1516450.

ClinVar aggregate classification (germline): Conflicting classifications of pathogenicity. Review status: criteria provided, conflicting classifications (1 of 4 stars). 4 submissions from 4 submitters: Uncertain significance (2); Likely benign (2). Last evaluated 2026-02-09.

Conditions:
Inborn genetic diseases. Identifiers: MedGen C0950123, MeSH D030342.

Allele frequency attached by ClinVar (database versions not stated): ExAC 0.00016; gnomAD 0.00020; TOPMed 0.00020; ESP Exome Variant Server 0.00039.
gnomAD v4.1: 349 of 1,600,882 alleles (0.022%); highest among the groups gnomAD compares: Non-Finnish European, 0.027%; 1 homozygote.

Submissions (4):

GeneDx
Classification: Uncertain significance. Last evaluated: 2026-02-09. Review status: criteria provided, single submitter. Criteria: GeneDx Variant Classification Process June 2021. Collection method: clinical testing. Allele origin: germline.
Comment: In silico analysis suggests that this missense variant does not alter protein structure/function; Has not been previously published as pathogenic or benign to our knowledge

Blueprint Genetics
Classification: Likely benign. Last evaluated: 2024-11-21. Review status: criteria provided, single submitter. Criteria: ACMG Guidelines, 2015. Collection method: clinical testing. Allele origin: germline.

Ambry Genetics
Classification: Likely benign for Inborn genetic diseases. Last evaluated: 2022-12-16. Review status: criteria provided, single submitter. Criteria: Ambry Variant Classification Scheme 2023. Collection method: clinical testing. Allele origin: germline.

Labcorp Genetics (formerly Invitae), Labcorp
Classification: Uncertain significance. Last evaluated: 2022-06-03. Review status: criteria provided, single submitter. Criteria: Invitae Variant Classification Sherloc (09022015). Collection method: clinical testing. Allele origin: germline.
Comment: This sequence change replaces arginine, which is basic and polar, with cysteine, which is neutral and slightly polar, at codon 20 of the RNASEH1 protein (p.Arg20Cys). This variant is present in population databases (rs150583536, gnomAD 0.02%). This variant has not been reported in the literature in individuals affected with RNASEH1-related conditions. Algorithms developed to predict the effect of missense changes on protein structure and function output the following: SIFT: "Tolerated"; PolyPhen-2: "Benign"; Align-GVGD: "Class C0". The cysteine amino acid residue is found in multiple mammalian species, which suggests that this missense change does not adversely affect protein function. In summary, the available evidence is currently insufficient to determine the role of this variant in disease. Therefore, it has been classified as a Variant of Uncertain Significance.